The following is an entry in ClinVar:

ClinVar aggregate classification (germline): Uncertain significance (1 of 4 stars; one submission).

Submission:

Labcorp Genetics (formerly Invitae), Labcorp
Classification: Uncertain significance. Last evaluated: 2023-07-14. Review status: criteria provided, single submitter. Criteria: Invitae Variant Classification Sherloc (09022015). Collection method: clinical testing. Allele origin: germline.
Comment: In summary, the available evidence is currently insufficient to determine the role of this variant in disease. Therefore, it has been classified as a Variant of Uncertain Significance. Variants that disrupt the consensus splice site are a relatively common cause of aberrant splicing (PMID: 17576681, 9536098). Algorithms developed to predict the effect of sequence changes on RNA splicing suggest that this variant may disrupt the consensus splice site. This variant has not been reported in the literature in individuals affected with FXYD2-related conditions. This variant is not present in population databases (gnomAD no frequency). This sequence change falls in intron 1 of the FXYD2 gene. It does not directly change the encoded amino acid sequence of the FXYD2 protein. It affects a nucleotide within the consensus splice site.

Literature cited by the submitters: PubMed 17576681; PubMed 9536098.

NM_021603.4(FXYD2):c.20-1939GTG[4]

Genes: FXYD2 (FXYD domain containing ion transport regulator 2; minus strand), FXYD6-FXYD2 (FXYD6-FXYD2 readthrough; minus strand). Cytogenetic location: 11q23.3.
Variant type: Microsatellite.
Coding change: c.20-1939GTG[4] on transcript NM_021603.4; four copies in a row of the 3-base unit GTG starting at c.20-1939; the reference has two copies in a row; two copies, 6 bases duplicated.
Molecular consequence: intron variant.
Genome position (GRCh38, 1-based): chr11:117,824,651-117,824,656, CACCAC duplicated on the plus strand (GTGGTG on the coding strand, the reverse complement: FXYD2 is on the minus strand); duplicating any 6 consecutive bases within chr11:117,824,651-117,824,657 gives the same sequence; the position shown is the placement nearest the transcript's 3' end. VCF-style (leftmost placement, unchanged base first): chr11-117824650-T-TCACCAC. GRCh37 (hg19) VCF-style: chr11-117695365-T-TCACCAC.
Other names: c.273-1939GTG[4] (NM_001243598.4); c.260-1939GTG[4] (NM_001204268.3).
Identifiers: ClinVar variation 2865103 (VCV002865103.3), ClinGen allele CA2739271709.